The following is an entry in ClinVar:

NM_001195263.2(PDZD7):c.370C>T (p.Arg124Trp)

Gene: PDZD7 (PDZ domain containing 7; minus strand). Cytogenetic location: 10q24.31.
Variant type: single nucleotide variant.
Coding change: c.370C>T on transcript NM_001195263.2 (MANE Select); coding-DNA position 370, C replaced by T.
Protein change: p.Arg124Trp; replaces arginine 124 with tryptophan.
Molecular consequence: missense variant.
Genome position (GRCh38, 1-based): chr10:101,023,608, G>A on the plus strand (C>T on the coding strand, the complement: PDZD7 is on the minus strand). VCF-style: chr10-101023608-G-A. GRCh37 (hg19) VCF-style: chr10-102783365-G-A.
Other names: c.370C>T, p.Arg124Trp (NM_001351044.2, NM_024895.5); short protein forms R124W.
Identifiers: ClinVar variation 711914 (VCV000711914.27), dbSNP rs114917863, ClinGen allele CA5654403.
Genomic context (GRCh38, chr10:101,023,608, plus strand): 5'-TGCTCTCCAGGCTCAGCCCATTCACCTCCGTGATCTTGTCCCCCACGCACAGGCCAGCCC[G>A]CTCTGCACCACAGGATGGGAGTGGCTGGCATGGGTCCCCAGGGTGGGGCTGAGCCTCCCC-3'
Protein context (NP_001182192.1, residues 114-134): SKVEEGSSAE[Arg124Trp]AGLCVGDKIT

ClinVar aggregate classification (germline): Conflicting classifications of pathogenicity. Review status: criteria provided, conflicting classifications (1 of 4 stars). 8 submissions from 8 submitters: Uncertain significance (2); Benign (1); Likely benign (4). 1 of the submissions does not count toward it. Last evaluated 2026-03-01.

Conditions:
Inborn genetic diseases. Identifiers: MedGen C0950123, MeSH D030342.
PDZD7-related disorder. Also called: PDZD7-related condition; PDZD7-related disorders.

Allele frequency attached by ClinVar (database versions not stated): TOPMed 0.00103; ESP Exome Variant Server 0.00123; gnomAD 0.00137; 1000 Genomes Project 0.00240; 1000 Genomes Project 30x 0.00250.
gnomAD v4.1: 449 of 1,611,470 alleles (0.028%); highest among the groups gnomAD compares: African/African-American, 0.38%; 3 homozygotes.

Submissions (8):

CeGaT Center for Human Genetics Tuebingen
Classification: Likely benign. Last evaluated: 2026-03-01. Review status: criteria provided, single submitter. Criteria: CeGaT Center For Human Genetics Tuebingen Variant Classification Criteria Version 2. Collection method: clinical testing. Allele origin: germline. Affected: yes. Observed: 1 variant allele.
Comment: PDZD7: BS2

Labcorp Genetics (formerly Invitae), Labcorp
Classification: Likely benign. Last evaluated: 2025-12-31. Review status: criteria provided, single submitter. Criteria: Invitae Variant Classification Sherloc (09022015). Collection method: clinical testing. Allele origin: germline.

GeneDx
Classification: Uncertain significance. Last evaluated: 2025-06-25. Review status: criteria provided, single submitter. Criteria: GeneDx Variant Classification Process June 2021. Collection method: clinical testing. Allele origin: germline. Affected: yes.
Comment: In silico analysis supports that this missense variant has a deleterious effect on protein structure/function; Has not been previously published as pathogenic or benign to our knowledge

Blueprint Genetics
Classification: Benign. Last evaluated: 2024-10-24. Review status: criteria provided, single submitter. Criteria: ACMG Guidelines, 2015. Collection method: clinical testing. Allele origin: germline.

Ambry Genetics
Classification: Uncertain significance for Inborn genetic diseases. Last evaluated: 2021-07-06. Review status: criteria provided, single submitter. Criteria: Ambry Variant Classification Scheme 2023. Collection method: clinical testing. Allele origin: germline.

Laboratory for Molecular Medicine, Mass General Brigham Personalized Medicine
Classification: Likely benign. Last evaluated: 2012-04-30. Review status: criteria provided, single submitter. Criteria: LMM Criteria. Collection method: clinical testing. Allele origin: germline. Observed: 1 variant allele.
Comment: Arg124Trp in Exon 04 of PDZD7: This variant is not expected to have clinical significance because it has been identified in 0.4% (14/3738) of African American chromosomes from a broad population by the NHLBI Exome Sequencing Project (dbSNP rs114917863).

Breakthrough Genomics
Classification: Likely benign. Review status: criteria provided, single submitter. Criteria: ACMG Guidelines, 2015. Collection method: not provided. Allele origin: germline. Inheritance: Autosomal recessive inheritance. Affected: yes.

PreventionGenetics, part of Exact Sciences
Classification: Likely benign for PDZD7-related condition. Last evaluated: 2020-12-21. Review status: no assertion criteria provided. Collection method: clinical testing. Allele origin: germline. Not counted in ClinVar's aggregate classification.
Comment: This variant is classified as likely benign based on ACMG/AMP sequence variant interpretation guidelines (Richards et al. 2015 PMID: 25741868, with internal and published modifications).